The following is an entry in ClinVar:

ClinVar aggregate classification (germline): Uncertain significance (1 of 4 stars; one submission).

gnomAD v4.1: 21 of 1,208,780 alleles (0.0017%); highest among the groups gnomAD compares: Non-Finnish European, 0.002%; no homozygotes.

Submission:

Labcorp Genetics (formerly Invitae), Labcorp
Classification: Uncertain significance. Last evaluated: 2025-03-01. Review status: criteria provided, single submitter. Criteria: Invitae Variant Classification Sherloc (09022015). Collection method: clinical testing. Allele origin: germline.
Comment: This sequence change replaces arginine, which is basic and polar, with histidine, which is basic and polar, at codon 154 of the USP9X protein (p.Arg154His). This variant is present in population databases (rs367760990, gnomAD 0.003%), including at least one homozygous and/or hemizygous individual. This missense change has been observed in individual(s) with neurodevelopmental disorder (PMID: 33004838). An algorithm developed to predict the effect of missense changes on protein structure and function (PolyPhen-2) suggests that this variant is likely to be disruptive. In summary, the available evidence is currently insufficient to determine the role of this variant in disease. Therefore, it has been classified as a Variant of Uncertain Significance.

Literature cited by the submitters: PubMed 33004838.

NM_001039591.3(USP9X):c.461G>A (p.Arg154His)

Gene: USP9X (ubiquitin specific peptidase 9 X-linked; plus strand). Cytogenetic location: Xp11.4.
Variant type: single nucleotide variant.
Coding change: c.461G>A on transcript NM_001039591.3 (MANE Select); coding-DNA position 461, G replaced by A.
Protein change: p.Arg154His; replaces arginine 154 with histidine.
Molecular consequence: missense variant.
Genome position (GRCh38, 1-based): chrX:41,136,829, G>A. VCF-style: chrX-41136829-G-A. GRCh37 (hg19) VCF-style: chrX-40996082-G-A.
Other names: c.461G>A, p.Arg154His (NM_001039590.3, NM_001410748.1, NM_001410749.1); short protein forms R154H.
Identifiers: ClinVar variation 3699006 (VCV003699006.2).